The following is an entry in ClinVar:

NM_207122.2(EXT2):c.1706G>A (p.Arg569His)

Gene: EXT2 (exostosin glycosyltransferase 2; plus strand). Cytogenetic location: 11p11.2.
Variant type: single nucleotide variant.
Coding change: c.1706G>A on transcript NM_207122.2 (MANE Select); coding-DNA position 1706, G replaced by A.
Protein change: p.Arg569His; replaces arginine 569 with histidine.
Molecular consequence: missense variant.
Genome position (GRCh38, 1-based): chr11:44,232,396, G>A. VCF-style: chr11-44232396-G-A. GRCh37 (hg19) VCF-style: chr11-44253946-G-A.
Other names: c.1805G>A, p.Arg602His (NM_000401.3); c.1736G>A, p.Arg579His (NM_001178083.3); c.1706G>A, p.Arg569His (NM_001389628.1, NM_001389630.1); short protein forms R569H, R579H, R602H.
Identifiers: ClinVar variation 2574258 (VCV002574258.1), dbSNP rs2135259550, ClinGen allele CA380182893.
Genomic context (GRCh38, chr11:44,232,396, plus strand): 5'-TATGTGTCTGTCCTTAGGTCTGGCGGGAATTTCCTGACCGGTTGGTGGGTTACCCGGGTC[G>A]TCTGCATCTCTGGGACCATGAGATGAATAAGTGGAAGTATGAGTCTGAGTGGACGAATGA-3'
Protein context (NP_997005.1, residues 559-579): FPDRLVGYPG[Arg569His]LHLWDHEMNK

ClinVar aggregate classification (germline): Uncertain significance (1 of 4 stars; one submission).

Submission:

GeneDx
Classification: Uncertain significance. Last evaluated: 2023-01-31. Review status: criteria provided, single submitter. Criteria: GeneDx Variant Classification Process June 2021. Collection method: clinical testing. Allele origin: germline. Affected: yes.
Comment: Not observed at significant frequency in large population cohorts (gnomAD); In silico analysis supports that this missense variant has a deleterious effect on protein structure/function; Has not been previously published as pathogenic or benign to our knowledge